The following is an entry in ClinVar:

NM_001286577.2(C2CD3):c.269C>G (p.Thr90Arg)

Gene: C2CD3 (C2 domain containing 3 centriole elongation regulator; minus strand). Cytogenetic location: 11q13.4.
Variant type: single nucleotide variant.
Coding change: c.269C>G on transcript NM_001286577.2 (MANE Select); coding-DNA position 269, C replaced by G.
Protein change: p.Thr90Arg; replaces threonine 90 with arginine.
Molecular consequence: missense variant.
Genome position (GRCh38, 1-based): chr11:74,168,400, G>C on the plus strand (C>G on the coding strand, the complement: C2CD3 is on the minus strand). VCF-style: chr11-74168400-G-C. GRCh37 (hg19) VCF-style: chr11-73879445-G-C.
Other names: c.269C>G, p.Thr90Arg (NM_015531.6); short protein forms T90R.
Identifiers: ClinVar variation 1916927 (VCV001916927.3), dbSNP rs749067754, ClinGen allele CA6183281.

ClinVar aggregate classification (germline): Uncertain significance. Review status: criteria provided, multiple submitters, no conflicts (2 of 4 stars). 2 submissions from 2 submitters: Uncertain significance (2). Last evaluated 2022-09-29.

Conditions:
Inborn genetic diseases. Identifiers: MedGen C0950123, MeSH D030342.

Allele frequency attached by ClinVar (database versions not stated): ExAC 0.00001; gnomAD exomes 0.00001; TOPMed 0.00002.

Submissions (2):

Ambry Genetics
Classification: Uncertain significance for Inborn genetic diseases. Last evaluated: 2022-09-29. Review status: criteria provided, single submitter. Criteria: Ambry Variant Classification Scheme 2023. Collection method: clinical testing. Allele origin: germline.

Labcorp Genetics (formerly Invitae), Labcorp
Classification: Uncertain significance. Last evaluated: 2022-08-10. Review status: criteria provided, single submitter. Criteria: Invitae Variant Classification Sherloc (09022015). Collection method: clinical testing. Allele origin: germline.
Comment: This sequence change replaces threonine, which is neutral and polar, with arginine, which is basic and polar, at codon 90 of the C2CD3 protein (p.Thr90Arg). This variant is present in population databases (rs749067754, gnomAD 0.003%). This variant has not been reported in the literature in individuals affected with C2CD3-related conditions. Algorithms developed to predict the effect of missense changes on protein structure and function are either unavailable or do not agree on the potential impact of this missense change (SIFT: "Deleterious"; PolyPhen-2: "Probably Damaging"; Align-GVGD: "Class C0"). In summary, the available evidence is currently insufficient to determine the role of this variant in disease. Therefore, it has been classified as a Variant of Uncertain Significance.